The following is an entry in ClinVar:

NM_001457.4(FLNB):c.7164C>T (p.Ser2388=)

Genes: FLNB (filamin B; plus strand), FLNB-AS1 (FLNB antisense RNA 1; minus strand). Cytogenetic location: 3p14.3.
Variant type: single nucleotide variant.
Coding change: c.7164C>T on transcript NM_001457.4 (MANE Select); coding-DNA position 7164, C replaced by T.
Protein change: p.Ser2388=; no amino-acid change (serine 2388 retained).
Molecular consequence: synonymous variant. On other transcripts: non-coding transcript variant (1).
Genome position (GRCh38, 1-based): chr3:58,163,296, C>T. VCF-style: chr3-58163296-C-T. GRCh37 (hg19) VCF-style: chr3-58149023-C-T.
Other names: c.7257C>T, p.Ser2419= (NM_001164317.2); c.7131C>T, p.Ser2377= (NM_001164318.2); c.7092C>T, p.Ser2364= (NM_001164319.2).
Identifiers: ClinVar variation 508938 (VCV000508938.15), dbSNP rs757418085, ClinGen allele CA2469611.

ClinVar aggregate classification (germline): Conflicting classifications of pathogenicity. Review status: criteria provided, conflicting classifications (1 of 4 stars). 5 submissions from 5 submitters: Uncertain significance (1); Likely benign (3). 1 of the submissions does not count toward it. Last evaluated 2026-01-22.

Conditions:
FLNB-related disorder. Also called: FLNB-related disorders; FLNB-related condition. Identifiers: MedGen CN381095.
FLNB-Related Spectrum Disorders.

Allele frequency attached by ClinVar (database versions not stated): gnomAD exomes 0.00004 and 0.00017; gnomAD 0.00006; TOPMed 0.00008; ExAC 0.00016.
gnomAD v4.1: 68 of 1,614,064 alleles (0.0042%); highest among the groups gnomAD compares: Admixed American, 0.072%; 1 homozygote.

Submissions (5):

Labcorp Genetics (formerly Invitae), Labcorp
Classification: Likely benign. Last evaluated: 2026-01-22. Review status: criteria provided, single submitter. Criteria: Invitae Variant Classification Sherloc (09022015). Collection method: clinical testing. Allele origin: germline.

Blueprint Genetics
Classification: Likely benign. Last evaluated: 2022-05-06. Review status: criteria provided, single submitter. Criteria: ACMG Guidelines, 2015. Collection method: clinical testing. Allele origin: germline.

Illumina Laboratory Services, Illumina
Classification: Uncertain significance for FLNB-Related Spectrum Disorders. Last evaluated: 2017-04-27. Review status: criteria provided, single submitter. Criteria: ICSL Variant Classification Criteria 13 December 2019. Collection method: clinical testing. Allele origin: germline.

GeneDx
Classification: Likely benign. Last evaluated: 2017-04-13. Review status: criteria provided, single submitter. Criteria: GeneDx Variant Classification (06012015). Collection method: clinical testing. Allele origin: germline. Affected: yes.
Comment: This variant is considered likely benign or benign based on one or more of the following criteria: it is a conservative change, it occurs at a poorly conserved position in the protein, it is predicted to be benign by multiple in silico algorithms, and/or has population frequency not consistent with disease.

PreventionGenetics, part of Exact Sciences
Classification: Likely benign for FLNB-related condition. Last evaluated: 2020-02-05. Review status: no assertion criteria provided. Collection method: clinical testing. Allele origin: germline. Not counted in ClinVar's aggregate classification.
Comment: This variant is classified as likely benign based on ACMG/AMP sequence variant interpretation guidelines (Richards et al. 2015 PMID: 25741868, with internal and published modifications).